The following is an entry in ClinVar:

NM_000744.7(CHRNA4):c.1404C>T (p.Val468=)

Gene: CHRNA4 (cholinergic receptor nicotinic alpha 4 subunit; minus strand). Cytogenetic location: 20q13.33.
Variant type: single nucleotide variant.
Coding change: c.1404C>T on transcript NM_000744.7 (MANE Select); coding-DNA position 1404, C replaced by T.
Protein change: p.Val468=; no amino-acid change (valine 468 retained).
Molecular consequence: synonymous variant. On other transcripts: non-coding transcript variant (1).
Genome position (GRCh38, 1-based): chr20:63,350,007, G>A on the plus strand (C>T on the coding strand, the complement: CHRNA4 is on the minus strand). VCF-style: chr20-63350007-G-A. GRCh37 (hg19) VCF-style: chr20-61981359-G-A.
Other names: c.876C>T, p.Val292= (NM_001256573.2).
Identifiers: ClinVar variation 1106566 (VCV001106566.20), dbSNP rs1245158731, ClinGen allele CA511338698.
Genomic context (GRCh38, chr20:63,350,007, plus strand): 5'-GCTCCGAGACCGGCACCGGACGCCGCCTTCCACCGCTTCGCCAGGGCTGGACATGTGCTG[G>A]ACGCTGAGGGACCTGGCTTTGGCCAGCCCTGGTGCCTGGGTGCCGTGGGGCGGGCGGCAG-3'
Protein context (NP_000735.1, residues 458-478): PGLAKARSLS[Val468=]QHMSSPGEAV

ClinVar aggregate classification (germline): Likely benign. Review status: criteria provided, multiple submitters, no conflicts (2 of 4 stars). 3 submissions from 3 submitters: Likely benign (3). Last evaluated 2026-01-08.

Conditions:
Familial sleep-related hypermotor epilepsy. Also called: Autosomal Dominant Sleep-Related Hypermotor (Hyperkinetic) Epilepsy. Identifiers: Orphanet 98784, MedGen C3696898, MONDO:0000030.

Allele frequency attached by ClinVar (database versions not stated): TOPMed below 0.00001; gnomAD 0.00001; gnomAD exomes 0.00002.
gnomAD v4.1: 22 of 1,532,186 alleles (0.0014%); highest among the groups gnomAD compares: Admixed American, 0.002%; no homozygotes.

Submissions (3):

Labcorp Genetics (formerly Invitae), Labcorp
Classification: Likely benign. Last evaluated: 2026-01-08. Review status: criteria provided, single submitter. Criteria: Invitae Variant Classification Sherloc (09022015). Collection method: clinical testing. Allele origin: germline.

CeGaT Center for Human Genetics Tuebingen
Classification: Likely benign. Last evaluated: 2025-05-01. Review status: criteria provided, single submitter. Criteria: CeGaT Center For Human Genetics Tuebingen Variant Classification Criteria Version 2. Collection method: clinical testing. Allele origin: germline. Affected: yes. Observed: 1 variant allele.
Comment: CHRNA4: BP4, BP7

Blueprint Genetics
Classification: Likely benign. Last evaluated: 2024-06-12. Review status: criteria provided, single submitter. Criteria: ACMG Guidelines, 2015. Collection method: clinical testing. Allele origin: germline.